The following is an entry in ClinVar:

ClinVar aggregate classification (germline): Uncertain significance. Review status: criteria provided, multiple submitters, no conflicts (2 of 4 stars). 3 submissions from 3 submitters: Uncertain significance (3). Last evaluated 2026-01-08.

Conditions:
Cardiovascular phenotype. Identifiers: MedGen CN230736.
Dilated cardiomyopathy 1HH (CMD1HH). Identifiers: Orphanet 154, MedGen C3151293, MONDO:0013479, OMIM 613881.
Myofibrillar myopathy 6. Identifiers: Orphanet 199340, MedGen C2751831, MONDO:0013061, OMIM 612954.

Allele frequency attached by ClinVar (database versions not stated): gnomAD exomes 0.00003 and 0.00005; gnomAD 0.00004; ExAC 0.00005; TOPMed 0.00018.
gnomAD v4.1: 48 of 1,614,030 alleles (0.003%); highest among the groups gnomAD compares: Middle Eastern, 0.016%; no homozygotes.

Submissions (3):

Labcorp Genetics (formerly Invitae), Labcorp
Classification: Uncertain significance for Dilated cardiomyopathy 1HH; Myofibrillar myopathy 6. Last evaluated: 2026-01-08. Review status: criteria provided, single submitter. Criteria: Invitae Variant Classification Sherloc (09022015). Collection method: clinical testing. Allele origin: germline.
Comment: This sequence change replaces alanine, which is neutral and non-polar, with valine, which is neutral and non-polar, at codon 542 of the BAG3 protein (p.Ala542Val). This variant is present in population databases (rs770920565, gnomAD 0.01%). This missense change has been observed in individuals with clinical features of BAG3-related conditions (internal data). ClinVar contains an entry for this variant (Variation ID: 968771). Invitae Evidence Modeling of protein sequence and biophysical properties (such as structural, functional, and spatial information, amino acid conservation, physicochemical variation, residue mobility, and thermodynamic stability) indicates that this missense variant is not expected to disrupt BAG3 protein function with a negative predictive value of 80%. In summary, the available evidence is currently insufficient to determine the role of this variant in disease. Therefore, it has been classified as a Variant of Uncertain Significance.

Ambry Genetics
Classification: Uncertain significance for Cardiovascular phenotype. Last evaluated: 2024-01-06. Review status: criteria provided, single submitter. Criteria: Ambry Variant Classification Scheme 2023. Collection method: clinical testing. Allele origin: germline.
Comment: The p.A542V variant (also known as c.1625C>T), located in coding exon 4 of the BAG3 gene, results from a C to T substitution at nucleotide position 1625. The alanine at codon 542 is replaced by valine, an amino acid with similar properties. This variant was detected in a cardiomyopathy genetic testing cohort; however, clinical details were limited, and additional cardiac variants were detected in some cases (van Lint FHM et al. Neth Heart J, 2019 Jun;27:304-309).This amino acid position is poorly conserved in available vertebrate species. In addition, this alteration is predicted to be tolerated by in silico analysis. Since supporting evidence is limited at this time, the clinical significance of this alteration remains unclear.

CeGaT Center for Human Genetics Tuebingen
Classification: Uncertain significance. Last evaluated: 2020-11-01. Review status: criteria provided, single submitter. Criteria: CeGaT Center For Human Genetics Tuebingen Variant Classification Criteria Version 2. Collection method: clinical testing. Allele origin: germline. Affected: yes. Observed: 1 variant allele.

Literature cited by the submitters: PubMed 30847666 (cited by Ambry Genetics).

NM_004281.4(BAG3):c.1625C>T (p.Ala542Val)

Gene: BAG3 (BAG cochaperone 3; plus strand). Cytogenetic location: 10q26.11.
Variant type: single nucleotide variant.
Coding change: c.1625C>T on transcript NM_004281.4 (MANE Select); coding-DNA position 1625, C replaced by T.
Protein change: p.Ala542Val; replaces alanine 542 with valine.
Molecular consequence: missense variant.
Genome position (GRCh38, 1-based): chr10:119,677,179, C>T. VCF-style: chr10-119677179-C-T. GRCh37 (hg19) VCF-style: chr10-121436691-C-T.
Other names: short protein forms A542V.
Identifiers: ClinVar variation 968771 (VCV000968771.48), dbSNP rs770920565, ClinGen allele CA5716585.